The following is an entry in ClinVar:

NM_001170700.3(DTHD1):c.1340G>A (p.Arg447Gln)

Gene: DTHD1 (death domain containing 1; plus strand). Cytogenetic location: 4p14.
Variant type: single nucleotide variant.
Coding change: c.1340G>A on transcript NM_001170700.3 (MANE Select); coding-DNA position 1340, G replaced by A.
Protein change: p.Arg447Gln; replaces arginine 447 with glutamine.
Molecular consequence: missense variant. On other transcripts: non-coding transcript variant (2).
Genome position (GRCh38, 1-based): chr4:36,293,647, G>A. VCF-style: chr4-36293647-G-A. GRCh37 (hg19) VCF-style: chr4-36295269-G-A.
Other names: c.965G>A (NM_001170700.1); c.470G>A, p.Arg157Gln (NM_001136536.5); c.407G>A, p.Arg136Gln (NM_001378435.1); short protein forms R447Q, R136Q, R157Q.
Identifiers: ClinVar variation 1506725 (VCV001506725.8), dbSNP rs979831227, ClinGen allele CA95770658.

ClinVar aggregate classification (germline): Uncertain significance. Review status: criteria provided, multiple submitters, no conflicts (2 of 4 stars). 3 submissions from 3 submitters: Uncertain significance (3). Last evaluated 2025-12-09.

Allele frequency attached by ClinVar (database versions not stated): gnomAD exomes 0.00001; gnomAD 0.00005 and 0.00006; TOPMed 0.00006.
gnomAD v4.1: 23 of 1,548,084 alleles (0.0015%); highest among the groups gnomAD compares: African/African-American, 0.0055%; no homozygotes.

Submissions (3):

Labcorp Genetics (formerly Invitae), Labcorp
Classification: Uncertain significance. Last evaluated: 2025-12-09. Review status: criteria provided, single submitter. Criteria: Invitae Variant Classification Sherloc (09022015). Collection method: clinical testing. Allele origin: germline.
Comment: This sequence change replaces arginine, which is basic and polar, with glutamine, which is neutral and polar, at codon 157 of the DTHD1 protein (p.Arg157Gln). This variant is present in population databases (no rsID available, gnomAD 0.007%). This variant has not been reported in the literature in individuals affected with DTHD1-related conditions. ClinVar contains an entry for this variant (Variation ID: 1506725). An algorithm developed to predict the effect of missense changes on protein structure and function outputs the following: PolyPhen-2: "Benign". The glutamine amino acid residue is found in multiple mammalian species, which suggests that this missense change does not adversely affect protein function. Algorithms developed to predict the effect of sequence changes on RNA splicing suggest that this variant may disrupt the consensus splice site. In summary, the available evidence is currently insufficient to determine the role of this variant in disease. Therefore, it has been classified as a Variant of Uncertain Significance.

Ambry Genetics
Classification: Uncertain significance. Last evaluated: 2025-01-24. Review status: criteria provided, single submitter. Criteria: Ambry Variant Classification Scheme 2023. Collection method: clinical testing. Allele origin: germline.

Blueprint Genetics
Classification: Uncertain significance. Last evaluated: 2020-02-26. Review status: criteria provided, single submitter. Criteria: ACMG Guidelines, 2015. Collection method: clinical testing. Allele origin: germline.